The following is an entry in ClinVar:

ClinVar aggregate classification (germline): Uncertain significance (1 of 4 stars; one submission).

Conditions:
KBG syndrome (KBGS). Also called: ANKRD11-Related KBG Syndrome. Identifiers: Orphanet 2332, MedGen C0220687, MONDO:0007846, OMIM 148050.

Allele frequency attached by ClinVar (database versions not stated): gnomAD 0.00001; TOPMed 0.00001; ESP Exome Variant Server 0.00008.
gnomAD v4.1: 29 of 1,613,296 alleles (0.0018%); highest among the groups gnomAD compares: African/African-American, 0.004%; no homozygotes.

Submission:

Labcorp Genetics (formerly Invitae), Labcorp
Classification: Uncertain significance for KBG syndrome. Last evaluated: 2022-12-22. Review status: criteria provided, single submitter. Criteria: Invitae Variant Classification Sherloc (09022015). Collection method: clinical testing. Allele origin: germline.
Comment: This sequence change replaces arginine, which is basic and polar, with cysteine, which is neutral and slightly polar, at codon 738 of the ANKRD11 protein (p.Arg738Cys). This variant is present in population databases (rs139523271, gnomAD 0.007%). This variant has not been reported in the literature in individuals affected with ANKRD11-related conditions. Advanced modeling of protein sequence and biophysical properties (such as structural, functional, and spatial information, amino acid conservation, physicochemical variation, residue mobility, and thermodynamic stability) performed at Invitae indicates that this missense variant is not expected to disrupt ANKRD11 protein function. In summary, the available evidence is currently insufficient to determine the role of this variant in disease. Therefore, it has been classified as a Variant of Uncertain Significance.

NM_013275.6(ANKRD11):c.2212C>T (p.Arg738Cys)

Gene: ANKRD11 (ankyrin repeat domain 11; minus strand). Cytogenetic location: 16q24.3.
Variant type: single nucleotide variant.
Coding change: c.2212C>T on transcript NM_013275.6 (MANE Select); coding-DNA position 2212, C replaced by T.
Protein change: p.Arg738Cys; replaces arginine 738 with cysteine.
Molecular consequence: missense variant.
Genome position (GRCh38, 1-based): chr16:89,284,330, G>A on the plus strand (C>T on the coding strand, the complement: ANKRD11 is on the minus strand). VCF-style: chr16-89284330-G-A. GRCh37 (hg19) VCF-style: chr16-89350738-G-A.
Other names: c.2212C>T, p.Arg738Cys (NM_001256182.2, NM_001256183.2); short protein forms R738C.
Identifiers: ClinVar variation 2174504 (VCV002174504.4), dbSNP rs139523271, ClinGen allele CA8242619.
Genomic context (GRCh38, chr16:89,284,330, plus strand): 5'-GTTTTTCTTCTTTCGGAGACTTTTCCTTCAGCGATCTCTCCTTTTCTGCTTTATTCGAAC[G>A]GTCTTTCTCTTCTCGGAAAGACCTGCTGATGTCTTTGTTTGTGTCTTTGATTCTCTTCAG-3'
Protein context (NP_037407.4, residues 728-748): ISRSFREEKD[Arg738Cys]SNKAEKERSL